The following is an entry in ClinVar:

NM_000465.4(BARD1):c.1960C>G (p.Pro654Ala)

Gene: BARD1 (BRCA1 associated RING domain 1; minus strand). Cytogenetic location: 2q35.
Variant type: single nucleotide variant.
Coding change: c.1960C>G on transcript NM_000465.4 (MANE Select); coding-DNA position 1960, C replaced by G.
Protein change: p.Pro654Ala; replaces proline 654 with alanine.
Molecular consequence: missense variant. On other transcripts: non-coding transcript variant (3).
Genome position (GRCh38, 1-based): chr2:214,730,452, G>C on the plus strand (C>G on the coding strand, the complement: BARD1 is on the minus strand). VCF-style: chr2-214730452-G-C. GRCh37 (hg19) VCF-style: chr2-215595176-G-C.
Other names: c.1903C>G, p.Pro635Ala (NM_001282543.2); c.607C>G, p.Pro203Ala (NM_001282545.2); c.550C>G, p.Pro184Ala (NM_001282548.2); c.421C>G, p.Pro141Ala (NM_001282549.2); short protein forms P654A, P635A, P141A, P184A, P203A.
Identifiers: ClinVar variation 230744 (VCV000230744.17), dbSNP rs876658741, ClinGen allele CA10577774.
Genomic context (GRCh38, chr2:214,730,452, plus strand): 5'-TGTATTAAAAGAAAAATACCAGCTGTTCTCTGTTGAGCCTGCTTCTGCGTGGACCTTCAG[G>C]AATTTCATACTTTTCTTCCTGTTCACATACTTTTCTTCGTAGACATGCTTTTACCCCTGA-3'
Protein context (NP_000456.2, residues 644-664): VCEQEEKYEI[Pro654Ala]EGPRRSRLNR

ClinVar aggregate classification (germline): Uncertain significance. Review status: criteria provided, multiple submitters, no conflicts (2 of 4 stars). 2 submissions from 2 submitters: Uncertain significance (2). Last evaluated 2024-07-07.

Conditions:
Familial cancer of breast. Also called: BREAST CANCER, FAMILIAL; hereditary breast carcinoma; Hereditary breast cancer. Identifiers: Orphanet 227535, MedGen C0346153, MONDO:0016419, OMIM 114480. Disease mechanism: loss of function.
Hereditary cancer-predisposing syndrome. Also called: Neoplastic Syndromes, Hereditary; Tumor predisposition; Hereditary Cancer Syndrome; Hereditary neoplastic syndrome. Identifiers: Orphanet 140162, MedGen C0027672, MeSH D009386, MONDO:0015356.

Allele frequency attached by ClinVar (database versions not stated): gnomAD exomes below 0.00001.
gnomAD v4.1: 1 of 1,613,704 alleles (0.000062%); highest among the groups gnomAD compares: Admixed American, 0.0017%; no homozygotes.

Submissions (2):

Ambry Genetics
Classification: Uncertain significance for Hereditary cancer-predisposing syndrome. Last evaluated: 2024-07-07. Review status: criteria provided, single submitter. Criteria: Ambry Variant Classification Scheme 2023. Collection method: clinical testing. Allele origin: germline.
Comment: The p.P654A variant (also known as c.1960C>G), located in coding exon 10 of the BARD1 gene, results from a C to G substitution at nucleotide position 1960. The proline at codon 654 is replaced by alanine, an amino acid with highly similar properties. This amino acid position is not well conserved in available vertebrate species. In addition, this alteration is predicted to be tolerated by in silico analysis. Since supporting evidence is limited at this time, the clinical significance of this alteration remains unclear.

Labcorp Genetics (formerly Invitae), Labcorp
Classification: Uncertain significance for Familial cancer of breast. Last evaluated: 2022-06-09. Review status: criteria provided, single submitter. Criteria: Invitae Variant Classification Sherloc (09022015). Collection method: clinical testing. Allele origin: germline.
Comment: In summary, the available evidence is currently insufficient to determine the role of this variant in disease. Therefore, it has been classified as a Variant of Uncertain Significance. Algorithms developed to predict the effect of missense changes on protein structure and function (SIFT, PolyPhen-2, Align-GVGD) all suggest that this variant is likely to be tolerated. ClinVar contains an entry for this variant (Variation ID: 230744). This variant has not been reported in the literature in individuals affected with BARD1-related conditions. This variant is present in population databases (no rsID available, gnomAD 0.003%). This sequence change replaces proline, which is neutral and non-polar, with alanine, which is neutral and non-polar, at codon 654 of the BARD1 protein (p.Pro654Ala).